The following is an entry in ClinVar:

ClinVar aggregate classification (germline): Likely benign (0 of 4 stars; one submission).

Conditions:
FOXL2-related disorder. Also called: FOXL2-related condition.

Allele frequency attached by ClinVar (database versions not stated): gnomAD exomes 0.00035; gnomAD 0.00166; 1000 Genomes Project 0.00180; 1000 Genomes Project 30x 0.00187; TOPMed 0.00189.

Submission:

PreventionGenetics, part of Exact Sciences
Classification: Likely benign for FOXL2-related condition. Last evaluated: 2020-05-11. Review status: no assertion criteria provided. Collection method: clinical testing. Allele origin: germline.
Comment: This variant is classified as likely benign based on ACMG/AMP sequence variant interpretation guidelines (Richards et al. 2015 PMID: 25741868, with internal and published modifications).

NM_023067.4(FOXL2):c.*614C>T

Gene: FOXL2 (forkhead box L2; minus strand). Cytogenetic location: 3q22.3.
Variant type: single nucleotide variant.
Coding change: c.*614C>T on transcript NM_023067.4 (MANE Select); 614 bases downstream of the stop codon, C replaced by T.
Molecular consequence: 3 prime UTR variant.
Genome position (GRCh38, 1-based): chr3:138,944,978, G>A on the plus strand (C>T on the coding strand, the complement: FOXL2 is on the minus strand). VCF-style: chr3-138944978-G-A. GRCh37 (hg19) VCF-style: chr3-138663820-G-A.
Identifiers: ClinVar variation 3045061 (VCV003045061.2), dbSNP rs185086382, ClinGen allele CA83968832.